The following is an entry in ClinVar:

NM_001145809.2(MYH14):c.3150C>A (p.Asp1050Glu)

Gene: MYH14 (myosin heavy chain 14; plus strand). Cytogenetic location: 19q13.33.
Variant type: single nucleotide variant.
Coding change: c.3150C>A on transcript NM_001145809.2 (MANE Select); coding-DNA position 3150, C replaced by A.
Protein change: p.Asp1050Glu; replaces aspartic acid 1050 with glutamic acid.
Molecular consequence: missense variant.
Genome position (GRCh38, 1-based): chr19:50,271,525, C>A. VCF-style: chr19-50271525-C-A. GRCh37 (hg19) VCF-style: chr19-50774782-C-A.
Other names: c.3051C>A, p.Asp1017Glu (NM_001077186.2); c.3027C>A, p.Asp1009Glu (NM_024729.4); short protein forms D1009E, D1017E, D1050E.
Identifiers: ClinVar variation 3343374 (VCV003343374.1).
Genomic context (GRCh38, chr19:50,271,525, plus strand): 5'-GAAGGTGACGACAGAGGCAAAAATGAAGAAATTTGAAGAGGACCTGCTGCTCCTGGAAGA[C>A]CAGAATTCCAAGCTGAGCAAGGTTGGGGGCCTGAGGGCAGCTGGGAAAGTGGGGATGGGG-3'
Protein context (NP_001139281.1, residues 1040-1060): KFEEDLLLLE[Asp1050Glu]QNSKLSKERK

ClinVar aggregate classification (germline): Uncertain significance (1 of 4 stars; one submission).

gnomAD v4.1: 1 of 1,606,180 alleles (0.000062%); highest among the groups gnomAD compares: Admixed American, 0.0017%; no homozygotes.

Submission:

GeneDx
Classification: Uncertain significance. Last evaluated: 2023-05-17. Review status: criteria provided, single submitter. Criteria: GeneDx Variant Classification Process June 2021. Collection method: clinical testing. Allele origin: germline. Affected: yes.
Comment: Not observed at significant frequency in large population cohorts (gnomAD); In silico analysis supports that this missense variant has a deleterious effect on protein structure/function; Has not been previously published as pathogenic or benign to our knowledge